The following is an entry in ClinVar:

NM_004933.3(CDH15):c.714C>T (p.Asp238=)

Gene: CDH15 (cadherin 15; plus strand). Cytogenetic location: 16q24.3.
Variant type: single nucleotide variant.
Coding change: c.714C>T on transcript NM_004933.3 (MANE Select); coding-DNA position 714, C replaced by T.
Protein change: p.Asp238=; no amino-acid change (aspartic acid 238 retained).
Molecular consequence: synonymous variant.
Genome position (GRCh38, 1-based): chr16:89,187,479, C>T. VCF-style: chr16-89187479-C-T. GRCh37 (hg19) VCF-style: chr16-89253887-C-T.
Identifiers: ClinVar variation 1335231 (VCV001335231.36), dbSNP rs148718049, ClinGen allele CA8238975.
Genomic context (GRCh38, chr16:89,187,479, plus strand): 5'-ACATCCCCAGGTGGTCGCGGTGTACAATCTGACCCTGCAGGTGGCGGACATGTCTGGAGA[C>T]GGCCTCACAGCCACTGCCTCAGCCATCATCACCCTTGATGACATCAATGACAATGCCCCC-3'
Protein context (NP_004924.1, residues 228-248): LTLQVADMSG[Asp238=]GLTATASAII

ClinVar aggregate classification (germline): Likely benign. Review status: criteria provided, multiple submitters, no conflicts (2 of 4 stars). 2 submissions from 2 submitters: Likely benign (2). Last evaluated 2024-08-22.

Allele frequency attached by ClinVar (database versions not stated): ESP Exome Variant Server 0.00015; 1000 Genomes Project 30x 0.00016; 1000 Genomes Project 0.00020.

Submissions (2):

Blueprint Genetics
Classification: Likely benign. Last evaluated: 2024-08-22. Review status: criteria provided, single submitter. Criteria: ACMG Guidelines, 2015. Collection method: clinical testing. Allele origin: germline.

CeGaT Center for Human Genetics Tuebingen
Classification: Likely benign. Last evaluated: 2022-09-01. Review status: criteria provided, single submitter. Criteria: CeGaT Center For Human Genetics Tuebingen Variant Classification Criteria Version 2. Collection method: clinical testing. Allele origin: germline. Affected: yes. Observed: 2 variant alleles.
Comment: CDH15: BP4, BP7